The following is an entry in ClinVar:

ClinVar aggregate classification (germline): Uncertain significance (1 of 4 stars; one submission).

Conditions:
Hereditary cancer-predisposing syndrome. Also called: Neoplastic Syndromes, Hereditary; Hereditary Cancer Syndrome; Tumor predisposition; Hereditary neoplastic syndrome. Identifiers: Orphanet 140162, MedGen C0027672, MeSH D009386, MONDO:0015356.

Submission:

Ambry Genetics
Classification: Uncertain significance for Hereditary cancer-predisposing syndrome. Last evaluated: 2025-02-16. Review status: criteria provided, single submitter. Criteria: Ambry Variant Classification Scheme 2023. Collection method: clinical testing. Allele origin: germline.
Comment: The p.R86L variant (also known as c.257G>T), located in coding exon 1 of the STK11 gene, results from a G to T substitution at nucleotide position 257. The arginine at codon 86 is replaced by leucine, an amino acid with dissimilar properties. This amino acid position is conserved. In addition, the in silico prediction for this alteration is inconclusive. Based on the available evidence, the clinical significance of this variant remains unclear.

NM_000455.5(STK11):c.257G>T (p.Arg86Leu)

Gene: STK11 (serine/threonine kinase 11; plus strand). Cytogenetic location: 19p13.3.
Variant type: single nucleotide variant.
Coding change: c.257G>T on transcript NM_000455.5 (MANE Select); coding-DNA position 257, G replaced by T.
Protein change: p.Arg86Leu; replaces arginine 86 with leucine.
Molecular consequence: missense variant. On other transcripts: non-coding transcript variant (1).
Genome position (GRCh38, 1-based): chr19:1,207,170, G>T. VCF-style: chr19-1207170-G-T. GRCh37 (hg19) VCF-style: chr19-1207169-G-T.
Other names: c.257G>T, p.Arg86Leu (NM_001407255.1); short protein forms R86L.
Identifiers: ClinVar variation 3802380 (VCV003802380.1).
Genomic context (GRCh38, chr19:1,207,170, plus strand): 5'-TGCTGGACTCGGAGACGCTGTGCAGGAGGGCCGTCAAGATCCTCAAGAAGAAGAAGTTGC[G>T]AAGGATCCCCAACGGGGAGGCCAACGTGAAGAAGTAAGTATGGCTTGCTGGGGTCGGGGC-3'
Protein context (NP_000446.1, residues 76-96): AVKILKKKKL[Arg86Leu]RIPNGEANVK